The following is an entry in ClinVar:

ClinVar aggregate classification (germline): Uncertain significance. Review status: criteria provided, multiple submitters, no conflicts (2 of 4 stars). 4 submissions from 4 submitters: Uncertain significance (4). Last evaluated 2024-10-17.

Conditions:
Lissencephaly 6 with microcephaly. Identifiers: Orphanet 1083, MedGen C4015525, MONDO:0014534, OMIM 616212.

Submissions (4):

Labcorp Genetics (formerly Invitae), Labcorp
Classification: Uncertain significance. Last evaluated: 2024-10-17. Review status: criteria provided, single submitter. Criteria: Invitae Variant Classification Sherloc (09022015). Collection method: clinical testing. Allele origin: germline.
Comment: This variant, c.1357_1358delinsTT, is a complex sequence change that results in the deletion of 1 and insertion of 1 amino acid(s) in the KATNB1 protein (p.Ala453Phe). This variant is present in population databases (no rsID available, gnomAD 0.04%). This variant has not been reported in the literature in individuals affected with KATNB1-related conditions. ClinVar contains an entry for this variant (Variation ID: 2163116). An algorithm developed to predict the effect of missense changes on protein structure and function (PolyPhen-2) suggests that this variant¬†is likely to be tolerated. In summary, the available evidence is currently insufficient to determine the role of this variant in disease. Therefore, it has been classified as a Variant of Uncertain Significance.

GeneDx
Classification: Uncertain significance. Last evaluated: 2024-07-30. Review status: criteria provided, single submitter. Criteria: GeneDx Variant Classification Process June 2021. Collection method: clinical testing. Allele origin: germline. Affected: yes.
Comment: In silico analysis supports a deleterious effect on protein structure/function; Has not been previously published as pathogenic or benign to our knowledge

Revvity Omics, Revvity
Classification: Uncertain significance for Lissencephaly 6 with microcephaly. Last evaluated: 2022-03-31. Review status: criteria provided, single submitter. Criteria: ACMG Guidelines, 2015. Collection method: clinical testing. Allele origin: germline.

Blueprint Genetics
Classification: Uncertain significance. Last evaluated: 2021-03-22. Review status: criteria provided, single submitter. Criteria: ACMG Guidelines, 2015. Collection method: clinical testing. Allele origin: germline.

NM_005886.3(KATNB1):c.1357_1358delinsTT (p.Ala453Phe)

Gene: KATNB1 (katanin regulatory subunit B1; plus strand). Cytogenetic location: 16q21.
Variant type: Indel.
Coding change: c.1357_1358delinsTT on transcript NM_005886.3 (MANE Select); coding-DNA positions 1357 to 1358, GC replaced by TT.
Protein change: p.Ala453Phe; replaces alanine 453 with phenylalanine.
Molecular consequence: missense variant.
Genome position (GRCh38, 1-based): chr16:57,755,179-57,755,180, GC replaced by TT. VCF-style: chr16-57755179-GC-TT. GRCh37 (hg19) VCF-style: chr16-57789091-GC-TT.
Other names: c.1357_1358delinsTT (NM_005886.2); short protein forms A453F.
Identifiers: ClinVar variation 2163116 (VCV002163116.7), dbSNP rs2543425327, ClinGen allele CA2580091722.